The following is an entry in ClinVar:

NM_000119.2(EPB42):c.424G>A (p.Ala142Thr)

Gene: EPB42 (erythrocyte membrane protein band 4.2; minus strand). Cytogenetic location: 15q15.2.
Variant type: single nucleotide variant.
Coding change: c.424G>A on transcript NM_000119.2; coding-DNA position 424, G replaced by A.
Protein change: p.Ala142Thr; replaces alanine 142 with threonine.
Molecular consequence: missense variant (on NM_001114134.2).
Genome position (GRCh38, 1-based): chr15:43,215,191, C>T on the plus strand (G>A on the coding strand, the complement: EPB42 is on the minus strand). VCF-style: chr15-43215191-C-T. GRCh37 (hg19) VCF-style: chr15-43507389-C-T.
Other names: 4.2 Nippon; c.424G>A, p.Ala142Thr (NM_000119.3); c.334G>A, p.Ala112Thr (NM_001114134.2); short protein forms A142T, A112T.
Identifiers: ClinVar variation 13233 (VCV000013233.6), dbSNP rs104894487, ClinGen allele CA341253.

ClinVar aggregate classification (germline): Conflicting classifications of pathogenicity. Review status: criteria provided, conflicting classifications (1 of 4 stars). 5 submissions from 5 submitters: Pathogenic (1); Likely pathogenic (1); Uncertain significance (1). 2 of the submissions do not count toward it. Last evaluated 2026-03-14.

Conditions:
EPB42-related disorder. Also called: EPB42-related condition.
Hereditary spherocytosis type 5. Also called: EPB42-Related Hereditary Spherocytosis; EPB42-Related Spherocytosis. Identifiers: Orphanet 822, MedGen C2675192, MONDO:0012985, OMIM 612690.

Allele frequency attached by ClinVar (database versions not stated): gnomAD 0.00005 and 0.00001; ExAC 0.00007; gnomAD exomes 0.00010 and 0.00005; 1000 Genomes Project 0.00020; TOPMed 0.00003; 1000 Genomes Project 30x 0.00016.

Submissions (5):

Dasa
Classification: Likely pathogenic. Last evaluated: 2026-03-14. Review status: criteria provided, single submitter. Criteria: DASA Assertion Criteria. Collection method: clinical testing. Allele origin: germline.
Comment: NM_001114134.2(EPB42):c.334G>A (p.Ala112Thr) is a missense variant that results in the substitution of alanine with threonine. This variant has been reported in individuals with EPB42-related disorders (PMID: 1558976). Also, this variant is rare in population databases. Computational evidence supports a deleterious effect. Based on the currently available evidence, this variant is classified as likely pathogenic.

PreventionGenetics, part of Exact Sciences
Classification: Pathogenic for EPB42-related condition. Last evaluated: 2022-09-30. Review status: criteria provided, single submitter. Criteria: ACMG Guidelines, 2015. Collection method: clinical testing. Allele origin: germline.
Comment: The EPB42 c.424G>A variant is predicted to result in the amino acid substitution p.Ala142Thr. Homozygosity for p.Ala142Thr has been found most commonly in individuals of Japanese descent and was reported to lead to moderately severe hereditary spherocytosis. The p.Ala142Thr is a founder variant in the Japanese population with a carrier frequency of ~3% (Bouhassira et al 1992. PubMed ID: 1558976). This variant is reported in 0.060% of alleles in individuals of East Asian descent in gnomAD. This variant is interpreted as pathogenic.

Soonchunhyang University Bucheon Hospital, Soonchunhyang University Medical Center
Classification: Uncertain significance for Hereditary spherocytosis type 5. Last evaluated: 2016-03-18. Review status: criteria provided, single submitter. Criteria: ACMG Guidelines, 2015. Collection method: reference population. Allele origin: germline. Observed: 1 variant allele.

OMIM
Classification: Pathogenic for SPHEROCYTOSIS, TYPE 5, DUE TO PROTEIN 4.2-NIPPON. Last evaluated: 1999-07-01. Review status: no assertion criteria provided. Collection method: literature only. Allele origin: germline. Not counted in ClinVar's aggregate classification.

GeneReviews
No classification provided. Condition: Hereditary spherocytosis type 5. Review status: no classification provided. Collection method: literature only. Allele origin: germline. Affected: yes. Not counted in ClinVar's aggregate classification.

Literature cited by the submitters: PubMed 1558976 (cited by 4 submitters); Bouhassira, E. E., Schwartz, R. S., Yawata, Y., Ata, K., Nagel, R. L., Rybicki, A. C. An alanine to threonine substitution in protein 4.2 cDNA is associated with a Japanese form of hereditary hemolytic anemia. (Abstract) Clin. Res. 39: 313A, 1991. (cited by OMIM); PubMed 8319790 (cited by OMIM); PubMed 10406914 (cited by OMIM and GeneReviews).